The following is an entry in ClinVar:

ClinVar aggregate classification (germline): Pathogenic (1 of 4 stars; one submission).

Conditions:
Rabson-Mendenhall syndrome. Also called: Pineal Hyperplasia, Insulin-Resistant Diabetes Mellitus, and Somatic Abnormalities; Pineal hyperplasia AND diabetes mellitus syndrome; MENDENHALL SYNDROME. Identifiers: Orphanet 769, MedGen C0271695, MONDO:0009874, OMIM 262190.

Submission:

The Translational Medicine Center of Children Development and Disease, Fudan University
Classification: Pathogenic for Rabson-Mendenhall syndrome. Last evaluated: 2017-02-28. Review status: criteria provided, single submitter. Criteria: submitter's publication. Collection method: clinical testing. Allele origin: paternal. Inheritance: Autosomal recessive inheritance. Affected: yes. Observed: 1 variant allele, 1 compound heterozygote.
Comment: Follow-up Sanger sequencing and real-time quantitative PCR confirm the variants. We, therefore, supposed these variants were candidate mutations of this family.

Literature cited by the submitters: PubMed 29082893; PubMed 23969187; PubMed 25358339.

NM_000208.4(INSR):c.2030_2267+1del

Gene: INSR (insulin receptor; minus strand). Cytogenetic location: 19p13.2.
Variant type: Deletion.
Coding change: c.2030_2267+1del on transcript NM_000208.4 (MANE Select); coding-DNA position 2030 through the canonical splice donor site of the intron after coding-DNA position 2267, 2,432 bases deleted.
Molecular consequence: splice acceptor variant, splice donor variant.
Genome position (GRCh38, 1-based): chr19:7,150,496-7,152,927, 2,432 bases deleted. GRCh37 (hg19): chr19:7,150,508-7,152,939.
Other names: c.2030_2231+2230del (NM_001079817.3).
Identifiers: ClinVar variation 430587 (VCV000430587.3), ClinGen allele CA658684219.